The following is an entry in ClinVar:

NM_182931.3(KMT2E):c.4049G>A (p.Ser1350Asn)

Gene: KMT2E (lysine methyltransferase 2E (inactive); plus strand). Cytogenetic location: 7q22.3.
Variant type: single nucleotide variant.
Coding change: c.4049G>A on transcript NM_182931.3 (MANE Select); coding-DNA position 4049, G replaced by A.
Protein change: p.Ser1350Asn; replaces serine 1350 with asparagine.
Molecular consequence: missense variant.
Genome position (GRCh38, 1-based): chr7:105,110,849, G>A. VCF-style: chr7-105110849-G-A. GRCh37 (hg19) VCF-style: chr7-104751296-G-A.
Other names: c.3923G>A, p.Ser1308Asn (NM_001410908.1); c.4049G>A, p.Ser1350Asn (NM_018682.4); short protein forms S1308N, S1350N.
Identifiers: ClinVar variation 4056568 (VCV004056568.1).

ClinVar aggregate classification (germline): Uncertain significance (1 of 4 stars; one submission).

Conditions:
O'Donnell-Luria-Rodan syndrome (ODLURO). Also called: KMT2E-Related Neurodevelopmental Disorder. Identifiers: MedGen C5193138, MONDO:0032793, OMIM 618512.

gnomAD v4.1: 2 of 1,613,486 alleles (0.00012%); highest among the groups gnomAD compares: Non-Finnish European, 0.00017%; no homozygotes.

Submission:

Laboratorio de Genetica e Diagnostico Molecular, Hospital Israelita Albert Einstein
Classification: Uncertain significance for O'Donnell-Luria-Rodan syndrome. Last evaluated: 2024-07-07. Review status: criteria provided, single submitter. Criteria: ACMG Guidelines, 2015. Collection method: clinical testing. Allele origin: germline. Affected: yes.
Comment: ACMG classification criteria: PM2 supporting, BP4 supporting